The following is an entry in ClinVar:

NM_001009944.3(PKD1):c.687del (p.Trp229fs)

Gene: PKD1 (polycystin 1, transient receptor potential channel interacting; minus strand). Cytogenetic location: 16p13.3.
Variant type: Deletion.
Coding change: c.687del on transcript NM_001009944.3 (MANE Select); coding-DNA position 687, one base deleted (G; older notation c.687delG).
Protein change: p.Trp229fs; shifts the reading frame from tryptophan 229.
Molecular consequence: frameshift variant.
Genome position (GRCh38, 1-based): chr16:2,118,305, C deleted on the plus strand (G on the coding strand, the reverse complement: PKD1 is on the minus strand); the first of 2 consecutive C bases (chr16:2,118,305-2,118,306); deleting either gives the same sequence. VCF-style (leftmost placement, unchanged base first): chr16-2118304-AC-A. GRCh37 (hg19) VCF-style: chr16-2168305-AC-A.
Other names: c.687del, p.Trp229fs (NM_000296.4); short protein forms W229fs.
Identifiers: ClinVar variation 4531590 (VCV004531590.1).

ClinVar aggregate classification (germline): Pathogenic (1 of 4 stars; one submission).

Conditions:
Polycystic kidney disease, adult type (PKD1). Also called: Polycystic Kidney, Autosomal Dominant; POLYCYSTIC KIDNEY DISEASE, ADULT, TYPE I; Polycystic Kidney Disease 1, Autosomal Dominant; Polycystic kidney disease 1; Polycystic kidney disease 1, severe; POLYCYSTIC KIDNEY DISEASE 1 WITH OR WITHOUT POLYCYSTIC LIVER DISEASE. Identifiers: MedGen C3149841, MONDO:0008263, OMIM 173900.

Submission:

Victorian Clinical Genetics Services, Murdoch Childrens Research Institute
Classification: Pathogenic for Polycystic kidney disease, adult type. Last evaluated: 2024-10-28. Review status: criteria provided, single submitter. Criteria: ACMG Guidelines, 2015. Collection method: clinical testing. Allele origin: germline. Affected: yes.
Comment: This variant is classified as Pathogenic. Evidence in support of pathogenic classification: Variant is predicted to cause nonsense-mediated decay (NMD) and loss of protein (premature termination codon is located at least 54 nucleotides upstream of the final exon-exon junction); Variant is absent from gnomAD (v2, v3 and v4); Other variants predicted to undergo nonsense-mediated decay (NMD) comparable to the one identified in this case have very strong previous evidence for pathogenicity (DECIPHER). Additional information: This variant is heterozygous; This gene is associated with autosomal dominant disease. Polycystic kidney disease 1 (MIM#173900) is predominantly caused by monoallelic variants, with rare reports of biallelic variants causing disease (OMIM); This variant has no previous evidence of pathogenicity; No published segregation evidence has been identified for this variant; No published functional evidence has been identified for this variant; Loss of function is a known mechanism of disease in this gene and is associated with polycystic kidney disease 1 (MIM#173900); Inheritance information for this variant is not currently available in this individual.